The following is an entry in ClinVar:

ClinVar aggregate classification (germline): Likely benign (1 of 4 stars; one submission).

Allele frequency attached by ClinVar (database versions not stated): gnomAD 0.02074 and 0.02080; 1000 Genomes Project 0.02256; 1000 Genomes Project 30x 0.02295.
gnomAD v4.1: 3,029 of 146,782 alleles (2.1%); highest among the groups gnomAD compares: Admixed American, 3.5%; 37 homozygotes.

Submission:

GeneDx
Classification: Likely benign. Last evaluated: 2018-06-14. Review status: criteria provided, single submitter. Criteria: GeneDx Variant Classification (06012015). Collection method: clinical testing. Allele origin: germline. Affected: yes.
Comment: This variant is considered likely benign or benign based on one or more of the following criteria: it is a conservative change, it occurs at a poorly conserved position in the protein, it is predicted to be benign by multiple in silico algorithms, and/or has population frequency not consistent with disease.

NM_000540.3(RYR1):c.8817-327G>T

Genes: RYR1 (ryanodine receptor 1; plus strand), LOC130064351 (ATAC-STARR-seq lymphoblastoid silent region 10576; plus strand). Cytogenetic location: 19q13.2.
Variant type: single nucleotide variant.
Coding change: c.8817-327G>T on transcript NM_000540.3 (MANE Select); 327 bases into the intron before coding-DNA position 8817, G replaced by T.
Molecular consequence: intron variant.
Genome position (GRCh38, 1-based): chr19:38,507,385, G>T. VCF-style: chr19-38507385-G-T. GRCh37 (hg19) VCF-style: chr19-38998025-G-T.
Other names: c.8817-327G>T (NM_001042723.2).
Identifiers: ClinVar variation 680825 (VCV000680825.1), dbSNP rs12980578, ClinGen allele CA308119471.